The following is an entry in ClinVar:

ClinVar aggregate classification (germline): Uncertain significance (1 of 4 stars; one submission).

Conditions:
Cardiovascular phenotype. Identifiers: MedGen CN230736.

Allele frequency attached by ClinVar (database versions not stated): ExAC 0.00001.
gnomAD v4.1: 1 of 1,614,064 alleles (0.000062%); highest among the groups gnomAD compares: Non-Finnish European, 0.000085%; no homozygotes.

Submission:

Ambry Genetics
Classification: Uncertain significance for Cardiovascular phenotype. Last evaluated: 2023-02-06. Review status: criteria provided, single submitter. Criteria: Ambry Variant Classification Scheme 2023. Collection method: clinical testing. Allele origin: germline.
Comment: The c.840G>T (p.E280D) alteration is located in exon 9 (coding exon 9) of the TPM1 gene. This alteration results from a G to T substitution at nucleotide position 840, causing the glutamic acid (E) at amino acid position 280 to be replaced by an aspartic acid (D). Based on data from gnomAD, the T allele has an overall frequency of <0.001% (1/248538) total alleles studied. The highest observed frequency was 0.001% (1/111334) of European (non-Finnish) alleles. This amino acid position is highly conserved in available vertebrate species. This missense alteration is located in a region that has a low rate of benign missense variation (Lek, 2016; Firth, 2009). This alteration is predicted to be tolerated by in silico analysis. Based on insufficient or conflicting evidence, the clinical significance of this alteration remains unclear.

NM_001018020.2(TPM1):c.840G>T (p.Glu280Asp)

Gene: TPM1 (tropomyosin 1; plus strand). Cytogenetic location: 15q22.2.
Variant type: single nucleotide variant.
Coding change: c.840G>T on transcript NM_001018020.2; coding-DNA position 840, G replaced by T.
Protein change: p.Glu280Asp; replaces glutamic acid 280 with aspartic acid.
Molecular consequence: missense variant. On other transcripts: 3 prime UTR variant (7), non-coding transcript variant (12).
Genome position (GRCh38, 1-based): chr15:63,071,157, G>T. VCF-style: chr15-63071157-G-T. GRCh37 (hg19) VCF-style: chr15-63363356-G-T.
Other names: c.840G>T, p.Glu280Asp (NM_001018004.2, NM_001018006.2, NM_001018007.2); c.*1214G>T (NM_001018008.2, NM_001330351.2, NM_001365776.1 and 3 more transcripts); c.732G>T, p.Glu244Asp (NM_001301289.2, NM_001330344.2); c.966G>T, p.Glu322Asp (NM_001365778.1); c.*34G>T (NM_001407326.1); short protein forms E280D, E322D, E244D.
Identifiers: ClinVar variation 2457947 (VCV002457947.2), dbSNP rs749574526, ClinGen allele CA034334.
Genomic context (GRCh38, chr15:63,071,157, plus strand): 5'-GGCTCATGCCAAAGAAGAAAACCTTAGTATGCATCAGATGCTGGATCAGACTTTACTGGA[G>T]TTAAACAACATGTGAAAACCTCCTTAGCTGCGACCACATTCTTTCGTTTTGTTTTGTTTT-3'